The following is an entry in ClinVar:

NM_002693.3(POLG):c.1754G>A (p.Trp585Ter)

Gene: POLG (DNA polymerase gamma, catalytic subunit; minus strand). Cytogenetic location: 15q26.1.
Variant type: single nucleotide variant.
Coding change: c.1754G>A on transcript NM_002693.3 (MANE Select); coding-DNA position 1754, G replaced by A.
Protein change: p.Trp585Ter; replaces tryptophan 585 with a stop codon.
Molecular consequence: nonsense.
Genome position (GRCh38, 1-based): chr15:89,325,645, C>T on the plus strand (G>A on the coding strand, the complement: POLG is on the minus strand). VCF-style: chr15-89325645-C-T. GRCh37 (hg19) VCF-style: chr15-89868876-C-T.
Other names: c.1754G>A, p.Trp585Ter (NM_001126131.2); short protein forms W585*.
Identifiers: ClinVar variation 5015774 (VCV005015774.1).
Genomic context (GRCh38, chr15:89,325,645, plus strand): 5'-AGTGCCATGAGTTTAGGTGTGACCCGCATCTGCAGGCTGAGGAGGCTGGGGCCCGGGGTC[C>T]ATGCAGGGTCGTCTAGCCGGGGGCAGAGCTTCCGGTACCATCTACGTCCCAGCAGGAAGA-3'

ClinVar aggregate classification (germline): Pathogenic (1 of 4 stars; one submission).

Conditions:
POLG-related disorder. Also called: POLG-Related Spectrum Disorders; POLG-related condition; POLG-Related Disorders. Identifiers: MedGen C4763519.

Submission:

Myriad Genetics, Inc.
Classification: Pathogenic for POLG-related disorder. Last evaluated: 2026-04-06. Review status: criteria provided, single submitter. Criteria: Myriad Autosomal Dominant, Autosomal Recessive and X-Linked Classification Criteria (2023). Collection method: clinical testing. Allele origin: unknown.
Comment: NM_002693.2(POLG):c.1754G>A(W585*) is expected to be pathogenic in the context of POLG-related disorders. This variant is predicted to lead to an abnormal or absent protein product due to the creation of a premature termination codon in POLG, a gene where loss-of-function variants are known to be pathogenic. Please note: this variant was assessed in the context of healthy population screening.